The following is an entry in ClinVar:

ClinVar aggregate classification (germline): Uncertain significance (1 of 4 stars; one submission).

Conditions:
Gorlin syndrome. Also called: Nevoid Basal Cell Carcinoma Syndrome; Basal cell nevus syndrome. Identifiers: Orphanet 377, MedGen C0004779, MONDO:0007187.

Submission:

Labcorp Genetics (formerly Invitae), Labcorp
Classification: Uncertain significance for Gorlin syndrome. Last evaluated: 2019-10-19. Review status: criteria provided, single submitter. Criteria: Invitae Variant Classification Sherloc (09022015). Collection method: clinical testing. Allele origin: germline.
Comment: In summary, this variant is a novel missense change with uncertain impact on protein function. It has been classified as a Variant of Uncertain Significance. Algorithms developed to predict the effect of missense changes on protein structure and function do not agree on the potential impact of this missense change (SIFT: "Deleterious"; PolyPhen-2: "Probably Damaging"; Align-GVGD: "Class C0"). This variant is not present in population databases (ExAC no frequency) and has not been reported in the literature in individuals with a PTCH1-related disease. This sequence change replaces glutamine with arginine at codon 160 of the PTCH1 protein (p.Gln160Arg). The glutamine residue is highly conserved and there is a small physicochemical difference between glutamine and arginine.

NM_000264.5(PTCH1):c.479A>G (p.Gln160Arg)

Gene: PTCH1 (patched 1; minus strand). Cytogenetic location: 9q22.32.
Variant type: single nucleotide variant.
Coding change: c.479A>G on transcript NM_000264.5 (MANE Select); coding-DNA position 479, A replaced by G.
Protein change: p.Gln160Arg; replaces glutamine 160 with arginine.
Molecular consequence: missense variant. On other transcripts: non-coding transcript variant (1).
Genome position (GRCh38, 1-based): chr9:95,485,790, T>C on the plus strand (A>G on the coding strand, the complement: PTCH1 is on the minus strand). VCF-style: chr9-95485790-T-C. GRCh37 (hg19) VCF-style: chr9-98248072-T-C.
Other names: c.281A>G, p.Gln94Arg (NM_001083602.3, NM_001354919.2); c.476A>G, p.Gln159Arg (NM_001083603.3); c.26A>G, p.Gln9Arg (NM_001083604.3, NM_001083605.3, NM_001083606.3 and 1 more transcripts); c.479A>G, p.Gln160Arg (NM_001354918.2); short protein forms Q160R, Q94R, Q159R, Q9R.
Identifiers: ClinVar variation 409139 (VCV000409139.11), dbSNP rs1060502267, ClinGen allele CA16612942.